The following is an entry in ClinVar:

NM_000455.5(STK11):c.1108+16G>A

Genes: STK11 (serine/threonine kinase 11; plus strand), LOC130062899 (ATAC-STARR-seq lymphoblastoid active region 13597; plus strand). Cytogenetic location: 19p13.3.
Variant type: single nucleotide variant.
Coding change: c.1108+16G>A on transcript NM_000455.5 (MANE Select); 16 bases into the intron after coding-DNA position 1108, G replaced by A.
Molecular consequence: intron variant.
Genome position (GRCh38, 1-based): chr19:1,223,188, G>A. VCF-style: chr19-1223188-G-A. GRCh37 (hg19) VCF-style: chr19-1223187-G-A.
Identifiers: ClinVar variation 384195 (VCV000384195.9), dbSNP rs770723400, ClinGen allele CA045239.
Genomic context (GRCh38, chr19:1,223,188, plus strand): 5'-ACATCGAGGATGACATCATCTACACTCAGGACTTCACGGTGCCCGGTGAGTCTGGCGGGG[G>A]CCCCTGCCCGGCTCTGCTGACTCGGCCAGGATGTCCCACGGGAGCAGGGTGCCTGCCTGT-3'

ClinVar aggregate classification (germline): Likely benign. Review status: criteria provided, multiple submitters, no conflicts (2 of 4 stars). 2 submissions from 2 submitters: Likely benign (2). Last evaluated 2025-12-03.

Conditions:
Peutz-Jeghers syndrome (PJS). Also called: POLYPOSIS, HAMARTOMATOUS INTESTINAL; POLYPS-AND-SPOTS SYNDROME; Peutz-Jeghers polyposis; Periorificial lentiginosis syndrome. Identifiers: Orphanet 2869, MedGen C0031269, MeSH D010580, MONDO:0008280, OMIM 175200.

Allele frequency attached by ClinVar (database versions not stated): gnomAD 0.00001; TOPMed 0.00001.
gnomAD v4.1: 3 of 1,602,868 alleles (0.00019%); highest among the groups gnomAD compares: Non-Finnish European, 0.00025%; no homozygotes.

Submissions (2):

Labcorp Genetics (formerly Invitae), Labcorp
Classification: Likely benign for Peutz-Jeghers syndrome. Last evaluated: 2025-12-03. Review status: criteria provided, single submitter. Criteria: Invitae Variant Classification Sherloc (09022015). Collection method: clinical testing. Allele origin: germline.

GeneDx
Classification: Likely benign. Last evaluated: 2016-02-25. Review status: criteria provided, single submitter. Criteria: GeneDx Variant Classification (06012015). Collection method: clinical testing. Allele origin: germline. Affected: yes.
Comment: This variant is considered likely benign or benign based on one or more of the following criteria: it is a conservative change, it occurs at a poorly conserved position in the protein, it is predicted to be benign by multiple in silico algorithms, and/or has population frequency not consistent with disease.